The following is an entry in ClinVar:

ClinVar aggregate classification (germline): Pathogenic (1 of 4 stars; one submission).

Submission:

GeneDx
Classification: Pathogenic. Last evaluated: 2022-05-27. Review status: criteria provided, single submitter. Criteria: GeneDx Variant Classification Process June 2021. Collection method: clinical testing. Allele origin: germline. Affected: yes.
Comment: Published functional studies demonstrate a damaging effect; specifically showing the p.W97G mutant is associated with reduced protein stability, impaired DNA binding, and damaged transactivation (Angelozzi et al., 2022); Not observed in large population cohorts (gnomAD); This variant is associated with the following publications: (PMID: 35232796)

NM_003107.3(SOX4):c.289T>G (p.Trp97Gly)

Gene: SOX4 (SRY-box transcription factor 4; plus strand). Cytogenetic location: 6p22.3.
Variant type: single nucleotide variant.
Coding change: c.289T>G on transcript NM_003107.3 (MANE Select); coding-DNA position 289, T replaced by G.
Protein change: p.Trp97Gly; replaces tryptophan 97 with glycine.
Molecular consequence: missense variant.
Genome position (GRCh38, 1-based): chr6:21,594,823, T>G. VCF-style: chr6-21594823-T-G. GRCh37 (hg19) VCF-style: chr6-21595054-T-G.
Other names: short protein forms W97G.
Identifiers: ClinVar variation 1691155 (VCV001691155.2), dbSNP rs2113557164, ClinGen allele CA363269887.